The following is an entry in ClinVar:

ClinVar aggregate classification (germline): Uncertain significance. Review status: criteria provided, multiple submitters, no conflicts (2 of 4 stars). 4 submissions from 4 submitters: Uncertain significance (4). Last evaluated 2025-09-29.

Conditions:
Hereditary nonpolyposis colorectal neoplasms. Identifiers: MedGen C0009405, MeSH D003123.
Hereditary cancer-predisposing syndrome. Also called: Hereditary Cancer Syndrome; Tumor predisposition; Hereditary neoplastic syndrome; Neoplastic Syndromes, Hereditary. Identifiers: Orphanet 140162, MedGen C0027672, MeSH D009386, MONDO:0015356.
Lynch syndrome 5 (LYNCH5). Also called: Hereditary non-polyposis colorectal cancer, type 5; Colorectal cancer, hereditary nonpolyposis, type 5. Identifiers: Orphanet 144, MedGen C1833477, MONDO:0013710, OMIM 614350. Disease mechanism: loss of function.

Submissions (4):

Ambry Genetics
Classification: Uncertain significance for Hereditary cancer-predisposing syndrome. Last evaluated: 2025-09-29. Review status: criteria provided, single submitter. Criteria: Ambry Variant Classification Scheme 2023. Collection method: clinical testing. Allele origin: germline.
Comment: The c.3293_3294delGCinsTT variant (also known as p.C1098F), located in coding exon 5 of the MSH6 gene, results from an in-frame deletion of GC and insertion of TT at nucleotide positions 3293 to 3294. This results in the substitution of the cysteine residue for a phenylalanine residue at codon 1098, an amino acid with highly dissimilar properties. This amino acid position is highly conserved in available vertebrate species. In addition, this alteration is predicted to be deleterious by in silico analysis (Choi Y et al. PLoS ONE. 2012; 7(10):e46688). Based on the available evidence, the clinical significance of this variant remains unclear.

Helix
Classification: Uncertain significance for Lynch syndrome 5. Last evaluated: 2025-08-11. Review status: criteria provided, single submitter. Criteria: ACMG Guidelines, 2015. Collection method: clinical testing. Allele origin: germline. Inheritance: Autosomal dominant inheritance.
Comment: This variant (NM_000179.3:c.3293_3294delinsTT p.Cys1098Phe) results in the substitution of cysteine with phenylalanine at codon 1098 in the MSH6 protein. It is present in the gnomAD population database (v4.1) at the highest allele frequency in the African/African American subpopulation among non-founder subpopulations (1/41440 alleles, 0.0024%). To our knowledge, this variant has not been reported in individuals with MSH6-related conditions. In silico prediction from the HCI Database of Prior Probabilities of Pathogenicity is indeterminate. This variant is present in ClinVar (Accession: VCV000823459.16). In conclusion, since the available evidence is limited, the clinical significance of this variant is unclear at this time. Therefore, it is classified as a Variant of Uncertain Significance.

Labcorp Genetics (formerly Invitae), Labcorp
Classification: Uncertain significance for Hereditary nonpolyposis colorectal neoplasms. Last evaluated: 2024-12-22. Review status: criteria provided, single submitter. Criteria: Invitae Variant Classification Sherloc (09022015). Collection method: clinical testing. Allele origin: germline.
Comment: This sequence change replaces cysteine, which is neutral and slightly polar, with phenylalanine, which is neutral and non-polar, at codon 1098 of the MSH6 protein (p.Cys1098Phe). The frequency data for this variant in the population databases is considered unreliable, as metrics indicate poor data quality at this position in the gnomAD database. This variant has not been reported in the literature in individuals affected with MSH6-related conditions. ClinVar contains an entry for this variant (Variation ID: 823459). An algorithm developed to predict the effect of missense changes on protein structure and function (PolyPhen-2) suggests that this variant is likely to be disruptive. In summary, the available evidence is currently insufficient to determine the role of this variant in disease. Therefore, it has been classified as a Variant of Uncertain Significance.

Color Diagnostics, LLC DBA Color Health
Classification: Uncertain significance for Hereditary cancer-predisposing syndrome. Last evaluated: 2023-12-05. Review status: criteria provided, single submitter. Criteria: ACMG Guidelines, 2015. Collection method: clinical testing. Allele origin: germline.
Comment: This missense variant replaces cysteine with phenylalanine at codon 1098 of the MSH6 protein. Computational prediction tools and conservation analyses are inconclusive regarding the impact of this variant on protein structure and function. Splice site prediction tools suggest that this variant may not impact RNA splicing. To our knowledge, functional studies have not been performed for this variant. This variant has not been reported in individuals affected with hereditary cancer in the literature. This variant has not been identified in the general population by the Genome Aggregation Database (gnomAD). The available evidence is insufficient to determine the role of this variant in disease conclusively. Therefore, this variant is classified as a Variant of Uncertain Significance.

NM_000179.3(MSH6):c.3293_3294delinsTT (p.Cys1098Phe)

Gene: MSH6 (mutS homolog 6; plus strand). Cytogenetic location: 2p16.3.
Variant type: Indel.
Coding change: c.3293_3294delinsTT on transcript NM_000179.3 (MANE Select); coding-DNA positions 3293 to 3294, GC replaced by TT.
Protein change: p.Cys1098Phe; replaces cysteine 1098 with phenylalanine.
Molecular consequence: missense variant.
Genome position (GRCh38, 1-based): chr2:47,803,540-47,803,541, GC replaced by TT. VCF-style: chr2-47803540-GC-TT. GRCh37 (hg19) VCF-style: chr2-48030679-GC-TT.
Other names: c.3293_3294delinsTT (NM_000179.2); c.2903_2904delinsTT, p.Cys968Phe (NM_001281492.2); c.2387_2388delinsTT, p.Cys796Phe (NM_001281493.2, NM_001281494.2); short protein forms C1098F, C796F, C968F.
Identifiers: ClinVar variation 823459 (VCV000823459.19), dbSNP rs1572735512, ClinGen allele CA915943951.